The following is an entry in ClinVar:

ClinVar aggregate classification (germline): Uncertain significance (1 of 4 stars; one submission).

Submission:

GeneDx
Classification: Uncertain significance. Last evaluated: 2022-02-24. Review status: criteria provided, single submitter. Criteria: GeneDx Variant Classification Process June 2021. Collection method: clinical testing. Allele origin: germline. Affected: yes.
Comment: Has not been previously published as pathogenic or benign to our knowledge; In silico analysis supports that this missense variant has a deleterious effect on protein structure/function; Not observed at significant frequency in large population cohorts (gnomAD)

NM_001110556.2(FLNA):c.6692G>A (p.Gly2231Glu)

Gene: FLNA (filamin A; minus strand). Cytogenetic location: Xq28.
Variant type: single nucleotide variant.
Coding change: c.6692G>A on transcript NM_001110556.2 (MANE Select); coding-DNA position 6692, G replaced by A.
Protein change: p.Gly2231Glu; replaces glycine 2231 with glutamic acid.
Molecular consequence: missense variant.
Genome position (GRCh38, 1-based): chrX:154,352,258, C>T on the plus strand (G>A on the coding strand, the complement: FLNA is on the minus strand). VCF-style: chrX-154352258-C-T. GRCh37 (hg19) VCF-style: chrX-153580626-C-T.
Other names: c.6668G>A, p.Gly2223Glu (NM_001456.4); short protein forms G2223E, G2231E.
Identifiers: ClinVar variation 1329823 (VCV001329823.3), dbSNP rs2148103885, ClinGen allele CA415189897.
Genomic context (GRCh38, chrX:154,352,258, plus strand): 5'-GCTCTCTCCAGGCCAGGGCCCCCAGCTCGGACCTTGTGGGCTCCCCCTTCCCCTAGGGGC[C>T]CCACGGTGAACTGGAAGGGGCTCCCAGGCACGTGCTGGCCCTTGTACTTCACGCTGACTG-3'
Protein context (NP_001104026.1, residues 2221-2241): VPGSPFQFTV[Gly2231Glu]PLGEGGAHKV